The following is an entry in ClinVar:

NM_000444.6(PHEX):c.1900-1G>A

Genes: PHEX (phosphate regulating endopeptidase X-linked; plus strand), PTCHD1-AS (PTCHD1 and PHEX antisense RNA; minus strand). Cytogenetic location: Xp22.11.
Variant type: single nucleotide variant.
Coding change: c.1900-1G>A on transcript NM_000444.6 (MANE Select); the canonical splice acceptor site of the intron before coding-DNA position 1900, G replaced by A.
Molecular consequence: splice acceptor variant.
Genome position (GRCh38, 1-based): chrX:22,226,442, G>A. VCF-style: chrX-22226442-G-A. GRCh37 (hg19) VCF-style: chrX-22244559-G-A.
Other names: c.1900-1G>A (NM_001282754.2).
Identifiers: ClinVar variation 392939 (VCV000392939.10), dbSNP rs755406730, ClinGen allele CA16609168.

ClinVar aggregate classification (germline): Pathogenic/Likely pathogenic. Review status: criteria provided, multiple submitters, no conflicts (2 of 4 stars). 2 submissions from 2 submitters: Pathogenic (1); Likely pathogenic (1). Last evaluated 2024-04-16.

Submissions (2):

Labcorp Genetics (formerly Invitae), Labcorp
Classification: Pathogenic. Last evaluated: 2024-04-16. Review status: criteria provided, single submitter. Criteria: Invitae Variant Classification Sherloc (09022015). Collection method: clinical testing. Allele origin: germline.
Comment: This sequence change affects an acceptor splice site in intron 18 of the PHEX gene. It is expected to disrupt RNA splicing. Variants that disrupt the donor or acceptor splice site typically lead to a loss of protein function (PMID: 16199547), and loss-of-function variants in PHEX are known to be pathogenic (PMID: 9097956, 9106524, 19219621). This variant is not present in population databases (gnomAD no frequency). Disruption of this splice site has been observed in individual(s) with hypophosphatemic rickets (Invitae). ClinVar contains an entry for this variant (Variation ID: 392939). Algorithms developed to predict the effect of sequence changes on RNA splicing suggest that this variant may disrupt the consensus splice site. For these reasons, this variant has been classified as Pathogenic.

GeneDx
Classification: Likely pathogenic. Last evaluated: 2017-01-06. Review status: criteria provided, single submitter. Criteria: GeneDx Variant Classification (06012015). Collection method: clinical testing. Allele origin: germline. Affected: yes.
Comment: The c.1900-1 G>A splice site variant in the PHEX gene has not been published as a pathogenic variant, nor has it been reported as a benign variant to our knowledge. The variant destroys the canonical splice acceptor site in intron 18; however, the adjacent exon 19 remains in-frame. It is predicted to cause abnormal gene splicing, either leading to an abnormal message that is subject to nonsense-mediated mRNA decay, or to an abnormal protein product if the message is used for protein translation. However, in the absence of RNA/functional studies, the actual effect of this sequence change is unknown. Additionally, the variant was not observed in approximately 6,500 individuals of European and African American ancestry in the NHLBI Exome Sequencing Project, indicating it is not a common benign variant in these populations. Therefore, we consider this variant to be likely pathogenic.

Literature cited by the submitters: PubMed 16199547 (cited by Labcorp Genetics (formerly Invitae), Labcorp); PubMed 9097956 (cited by Labcorp Genetics (formerly Invitae), Labcorp); PubMed 9106524 (cited by Labcorp Genetics (formerly Invitae), Labcorp); PubMed 19219621 (cited by Labcorp Genetics (formerly Invitae), Labcorp).